The following is an entry in ClinVar:

ClinVar aggregate classification (germline): Uncertain significance. Review status: criteria provided, multiple submitters, no conflicts (2 of 4 stars). 2 submissions from 2 submitters: Uncertain significance (2). Last evaluated 2025-02-08.

Conditions:
Baller-Gerold syndrome (BGS). Also called: CRANIOSYNOSTOSIS WITH RADIAL DEFECTS. Identifiers: Orphanet 1225, MedGen C0265308, MONDO:0009039, OMIM 218600.
Inborn genetic diseases. Identifiers: MedGen C0950123, MeSH D030342.

Submissions (2):

Ambry Genetics
Classification: Uncertain significance for Inborn genetic diseases. Last evaluated: 2025-02-08. Review status: criteria provided, single submitter. Criteria: Ambry Variant Classification Scheme 2023. Collection method: clinical testing. Allele origin: germline.
Comment: The p.G822D variant (also known as c.2465G>A) is located in coding exon 15 of the RECQL4 gene. The glycine at codon 822 is replaced by aspartic acid, an amino acid with similar properties. This change occurs in the first base pair of coding exon 15. This amino acid position is conserved. In addition, this alteration is predicted to be tolerated by in silico analysis. Based on the available evidence, the clinical significance of this variant remains unclear.

Labcorp Genetics (formerly Invitae), Labcorp
Classification: Uncertain significance for Baller-Gerold syndrome. Last evaluated: 2022-06-09. Review status: criteria provided, single submitter. Criteria: Invitae Variant Classification Sherloc (09022015). Collection method: clinical testing. Allele origin: germline.
Comment: In summary, the available evidence is currently insufficient to determine the role of this variant in disease. Therefore, it has been classified as a Variant of Uncertain Significance. Experimental studies and prediction algorithms are not available or were not evaluated, and the functional significance of this variant is currently unknown. This variant has not been reported in the literature in individuals affected with RECQL4-related conditions. This variant is not present in population databases (gnomAD no frequency). This sequence change replaces glycine, which is neutral and non-polar, with aspartic acid, which is acidic and polar, at codon 822 of the RECQL4 protein (p.Gly822Asp).

NM_004260.4(RECQL4):c.2465G>A (p.Gly822Asp)

Gene: RECQL4 (RecQ like helicase 4; minus strand). Cytogenetic location: 8q24.3.
Variant type: single nucleotide variant.
Coding change: c.2465G>A on transcript NM_004260.4 (MANE Select); coding-DNA position 2465, G replaced by A.
Protein change: p.Gly822Asp; replaces glycine 822 with aspartic acid.
Molecular consequence: missense variant.
Genome position (GRCh38, 1-based): chr8:144,513,137, C>T on the plus strand (G>A on the coding strand, the complement: RECQL4 is on the minus strand). VCF-style: chr8-144513137-C-T. GRCh37 (hg19) VCF-style: chr8-145738520-C-T.
Other names: c.2465G>A (NM_004260.3); c.2171G>A, p.Gly724Asp (NM_001413017.1); c.2267G>A, p.Gly756Asp (NM_001413018.1); c.2465G>A, p.Gly822Asp (NM_001413019.1, NM_001413036.1); c.2369G>A, p.Gly790Asp (NM_001413020.1); c.1394G>A, p.Gly465Asp (NM_001413021.1, NM_001413022.1, NM_001413023.1 and 5 more transcripts); c.2336G>A, p.Gly779Asp (NM_001413025.1); c.1328G>A, p.Gly443Asp (NM_001413027.1, NM_001413030.1, NM_001413032.1 and 1 more transcripts); and 7 more; short protein forms G443D, G465D, G705D, G756D, G779D, G455D, G399D, G724D.
Identifiers: ClinVar variation 2003916 (VCV002003916.5), dbSNP rs760858692, ClinGen allele CA372677642.